The following is an entry in ClinVar:

NM_025099.6(CTC1):c.680C>T (p.Ala227Val)

Gene: CTC1 (CST telomere replication complex component 1; minus strand). Cytogenetic location: 17p13.1.
Variant type: single nucleotide variant.
Coding change: c.680C>T on transcript NM_025099.6 (MANE Select); coding-DNA position 680, C replaced by T.
Protein change: p.Ala227Val; replaces alanine 227 with valine.
Molecular consequence: missense variant.
Genome position (GRCh38, 1-based): chr17:8,237,487, G>A on the plus strand (C>T on the coding strand, the complement: CTC1 is on the minus strand). VCF-style: chr17-8237487-G-A. GRCh37 (hg19) VCF-style: chr17-8140805-G-A.
Other names: c.680C>T, p.Ala227Val (LRG_1124t1); c.680C>T (NM_025099.5); short protein forms A227V.
Identifiers: ClinVar variation 31004 (VCV000031004.9), dbSNP rs199473673, ClinGen allele CA129617.

ClinVar aggregate classification (germline): Pathogenic. Review status: criteria provided, multiple submitters, no conflicts (2 of 4 stars). 5 submissions from 5 submitters: Pathogenic (4). 1 of the submissions does not count toward it. Last evaluated 2025-04-17.

Conditions:
CTC1-related disorder. Also called: CTC1-related condition.
Cerebroretinal microangiopathy with calcifications and cysts 1 (CRMCC1). Identifiers: Orphanet 313838, MedGen C4552029, MONDO:0024564, OMIM 612199.
Dyskeratosis congenita. Identifiers: Orphanet 1775, MedGen C0265965, MONDO:0015780.

Allele frequency attached by ClinVar (database versions not stated): 1000 Genomes Project 0.00020; gnomAD 0.00011; ExAC 0.00012; gnomAD exomes 0.00015; 1000 Genomes Project 30x 0.00016.

Submissions (5):

GeneDx
Classification: Pathogenic. Last evaluated: 2025-04-17. Review status: criteria provided, single submitter. Criteria: GeneDx Variant Classification Process June 2021. Collection method: clinical testing. Allele origin: germline. Affected: yes.
Comment: Published functional studies demonstrate that this variant disrupts proper telomere function (PMID: 24115768); In silico analysis indicates that this missense variant does not alter protein structure/function; This variant is associated with the following publications: (PMID: 23869908, 29774655, 37021555, 29481669, 22387016, 24115768)

Fulgent Genetics
Classification: Pathogenic for Cerebroretinal microangiopathy with calcifications and cysts 1. Last evaluated: 2024-03-05. Review status: criteria provided, single submitter. Criteria: ACMG Guidelines, 2015. Collection method: clinical testing. Allele origin: germline.

Blueprint Genetics
Classification: Pathogenic for CTC1-related disorders. Last evaluated: 2022-07-19. Review status: criteria provided, single submitter. Criteria: ACMG Guidelines, 2015. Collection method: clinical testing. Allele origin: germline. Affected: yes. Observed: 5 variant alleles.

Labcorp Genetics (formerly Invitae), Labcorp
Classification: Pathogenic for Dyskeratosis congenita. Last evaluated: 2021-12-24. Review status: criteria provided, single submitter. Criteria: Invitae Variant Classification Sherloc (09022015). Collection method: clinical testing. Allele origin: germline.
Comment: This sequence change replaces alanine, which is neutral and non-polar, with valine, which is neutral and non-polar, at codon 227 of the CTC1 protein (p.Ala227Val). This variant is present in population databases (rs199473673, gnomAD 0.2%). This missense change has been observed in individual(s) with cerebroretinal microangiopathy with calcifications and cysts (PMID: 22387016). In at least one individual the data is consistent with being in trans (on the opposite chromosome) from a pathogenic variant. It has also been observed to segregate with disease in related individuals. ClinVar contains an entry for this variant (Variation ID: 31004). Algorithms developed to predict the effect of missense changes on protein structure and function are either unavailable or do not agree on the potential impact of this missense change (SIFT: "Deleterious"; PolyPhen-2: "Probably Damaging"; Align-GVGD: "Class C0"). Experimental studies have shown that this missense change affects CTC1 function (PMID: 24115768, 29481669). Algorithms developed to predict the effect of sequence changes on RNA splicing suggest that this variant may create or strengthen a splice site. For these reasons, this variant has been classified as Pathogenic.

OMIM
Classification: Pathogenic for CEREBRORETINAL MICROANGIOPATHY WITH CALCIFICATIONS AND CYSTS 1. Last evaluated: 2012-03-09. Review status: no assertion criteria provided. Collection method: literature only. Allele origin: germline. Not counted in ClinVar's aggregate classification.

Literature cited by the submitters: PubMed 22387016 (cited by Labcorp Genetics (formerly Invitae), Labcorp and OMIM); PubMed 24115768 (cited by Labcorp Genetics (formerly Invitae), Labcorp); PubMed 29481669 (cited by Labcorp Genetics (formerly Invitae), Labcorp); PubMed 16943371 (cited by OMIM).